The following is an entry in ClinVar:

ClinVar aggregate classification (germline): Likely benign (1 of 4 stars; one submission).

gnomAD v4.1: 26 of 1,613,486 alleles (0.0016%); highest among the groups gnomAD compares: Middle Eastern, 0.033%; no homozygotes.

Submission:

CeGaT Center for Human Genetics Tuebingen
Classification: Likely benign. Last evaluated: 2025-11-01. Review status: criteria provided, single submitter. Criteria: CeGaT Center For Human Genetics Tuebingen Variant Classification Criteria Version 2. Collection method: clinical testing. Allele origin: germline. Affected: yes. Observed: 1 variant allele.
Comment: OSGIN2: BP4, BP7

NM_001126111.3(OSGIN2):c.732C>T (p.Ser244=)

Gene: OSGIN2 (oxidative stress induced growth inhibitor family member 2; plus strand). Cytogenetic location: 8q21.3.
Variant type: single nucleotide variant.
Coding change: c.732C>T on transcript NM_001126111.3 (MANE Select); coding-DNA position 732, C replaced by T.
Protein change: p.Ser244=; no amino-acid change (serine 244 retained).
Molecular consequence: synonymous variant.
Genome position (GRCh38, 1-based): chr8:89,924,614, C>T. VCF-style: chr8-89924614-C-T. GRCh37 (hg19) VCF-style: chr8-90936842-C-T.
Other names: c.600C>T, p.Ser200= (NM_004337.2).
Identifiers: ClinVar variation 4534121 (VCV004534121.6).